The following is an entry in ClinVar:

NM_018942.3(HMX1):c.928G>A (p.Ala310Thr)

Gene: HMX1 (H6 family homeobox 1; minus strand). Cytogenetic location: 4p16.1.
Variant type: single nucleotide variant.
Coding change: c.928G>A on transcript NM_018942.3 (MANE Select); coding-DNA position 928, G replaced by A.
Protein change: p.Ala310Thr; replaces alanine 310 with threonine.
Molecular consequence: missense variant. On other transcripts: intron variant (1).
Genome position (GRCh38, 1-based): chr4:8,867,812, C>T on the plus strand (G>A on the coding strand, the complement: HMX1 is on the minus strand). VCF-style: chr4-8867812-C-T. GRCh37 (hg19) VCF-style: chr4-8869538-C-T.
Other names: c.394+3409G>A (NM_001306142.2); short protein forms A310T.
Identifiers: ClinVar variation 1967998 (VCV001967998.5), dbSNP rs1577200369, ClinGen allele CA356277463.
Genomic context (GRCh38, chr4:8,867,812, plus strand): 5'-CGGCCAGCGGGTAGGCGAGGGCCCCGGAGAAGCCGAGCAGCGGTGGGGGCGGCGCGGGCG[C>T]GGCGGGCGCCAGCGGGAAGGGCAGGGTGGCCGGGGGCCCAGCGGCGGCTGCGGCCGGGGG-3'
Protein context (NP_061815.2, residues 300-320): ATLPFPLAPA[Ala310Thr]PAPPPPLLGF

ClinVar aggregate classification (germline): Uncertain significance (1 of 4 stars; one submission).

Allele frequency attached by ClinVar (database versions not stated): gnomAD exomes below 0.00001.

Submission:

Labcorp Genetics (formerly Invitae), Labcorp
Classification: Uncertain significance. Last evaluated: 2022-08-10. Review status: criteria provided, single submitter. Criteria: Invitae Variant Classification Sherloc (09022015). Collection method: clinical testing. Allele origin: germline.
Comment: This sequence change replaces alanine, which is neutral and non-polar, with threonine, which is neutral and polar, at codon 310 of the HMX1 protein (p.Ala310Thr). In summary, the available evidence is currently insufficient to determine the role of this variant in disease. Therefore, it has been classified as a Variant of Uncertain Significance. Algorithms developed to predict the effect of missense changes on protein structure and function are either unavailable or do not agree on the potential impact of this missense change (SIFT: "Tolerated"; PolyPhen-2: "Possibly Damaging"; Align-GVGD: "Class C0"). This variant has not been reported in the literature in individuals affected with HMX1-related conditions. This variant is not present in population databases (gnomAD no frequency).